The following is an entry in ClinVar:

NM_002691.4(POLD1):c.1076C>G (p.Pro359Arg)

Gene: POLD1 (DNA polymerase delta 1, catalytic subunit; plus strand). Cytogenetic location: 19q13.33.
Variant type: single nucleotide variant.
Coding change: c.1076C>G on transcript NM_002691.4 (MANE Select); coding-DNA position 1076, C replaced by G.
Protein change: p.Pro359Arg; replaces proline 359 with arginine.
Molecular consequence: missense variant. On other transcripts: non-coding transcript variant (1).
Genome position (GRCh38, 1-based): chr19:50,403,158, C>G. VCF-style: chr19-50403158-C-G. GRCh37 (hg19) VCF-style: chr19-50906415-C-G.
Other names: c.1076C>G, p.Pro359Arg (NM_001256849.1, NM_001308632.1); short protein forms P359R.
Identifiers: ClinVar variation 934278 (VCV000934278.13), dbSNP rs755198962, ClinGen allele CA9596017.
Genomic context (GRCh38, chr19:50,403,158, plus strand): 5'-CGCTGGGCCTGCGCTGGGGGGAGCCGGAGCCCTTCCTACGCCTGGCGCTCACCCTGCGGC[C>G]CTGTGCCCCCATCCTGGGTGCCAAGGTGCAGAGCTACGAGAAGGAGGAGGACCTGCTGCA-3'
Protein context (NP_002682.2, residues 349-369): PFLRLALTLR[Pro359Arg]CAPILGAKVQ

ClinVar aggregate classification (germline): Uncertain significance. Review status: criteria provided, multiple submitters, no conflicts (2 of 4 stars). 2 submissions from 2 submitters: Uncertain significance (2). Last evaluated 2025-12-15.

Conditions:
Hereditary cancer-predisposing syndrome. Also called: Hereditary neoplastic syndrome; Tumor predisposition; Neoplastic Syndromes, Hereditary; Hereditary Cancer Syndrome. Identifiers: Orphanet 140162, MedGen C0027672, MeSH D009386, MONDO:0015356.
POLD1-related polyposis and colorectal cancer syndrome (CRCS10). Also called: Colorectal cancer 10; COLORECTAL CANCER, SUSCEPTIBILITY TO, ON CHROMOSOME 19q; Colorectal cancer, susceptibility to, 10. Identifiers: Orphanet 220460, MedGen C2675481, MONDO:0012953, OMIM 612591.

Allele frequency attached by ClinVar (database versions not stated): TOPMed below 0.00001; gnomAD 0.00001.
gnomAD v4.1: 2 of 1,561,494 alleles (0.00013%); highest among the groups gnomAD compares: African/African-American, 0.0027%; no homozygotes.

Submissions (2):

Ambry Genetics
Classification: Uncertain significance for Hereditary cancer-predisposing syndrome. Last evaluated: 2025-12-15. Review status: criteria provided, single submitter. Criteria: Ambry Variant Classification Scheme 2023. Collection method: clinical testing. Allele origin: germline.
Comment: The p.P359R variant (also known as c.1076C>G), located in coding exon 8 of the POLD1 gene, results from a C to G substitution at nucleotide position 1076. The proline at codon 359 is replaced by arginine, an amino acid with dissimilar properties. This amino acid position is conserved. In addition, this alteration is predicted to be tolerated by in silico analysis. Since supporting evidence is limited at this time, the clinical significance of this alteration remains unclear.

Labcorp Genetics (formerly Invitae), Labcorp
Classification: Uncertain significance for POLD1-related polyposis and colorectal cancer syndrome. Last evaluated: 2023-12-19. Review status: criteria provided, single submitter. Criteria: Invitae Variant Classification Sherloc (09022015). Collection method: clinical testing. Allele origin: germline.
Comment: This sequence change replaces proline, which is neutral and non-polar, with arginine, which is basic and polar, at codon 359 of the POLD1 protein (p.Pro359Arg). This variant is present in population databases (rs755198962, gnomAD 0.01%). This variant has not been reported in the literature in individuals affected with POLD1-related conditions. ClinVar contains an entry for this variant (Variation ID: 934278). Advanced modeling of protein sequence and biophysical properties (such as structural, functional, and spatial information, amino acid conservation, physicochemical variation, residue mobility, and thermodynamic stability) performed at Invitae indicates that this missense variant is not expected to disrupt POLD1 protein function with a negative predictive value of 80%. In summary, the available evidence is currently insufficient to determine the role of this variant in disease. Therefore, it has been classified as a Variant of Uncertain Significance.